The following is an entry in ClinVar:

ClinVar aggregate classification (germline): Pathogenic (1 of 4 stars; one submission).

Conditions:
Oculocutaneous albinism type 1. Also called: Albinism 1; ALBINISM I. Identifiers: Orphanet 352731, MedGen C0268494, MONDO:0018135. Disease mechanism: loss of function.

Submission:

Myriad Genetics, Inc.
Classification: Pathogenic for Oculocutaneous albinism type 1. Last evaluated: 2024-06-10. Review status: criteria provided, single submitter. Criteria: Myriad Autosomal Dominant, Autosomal Recessive and X-Linked Classification Criteria (2023). Collection method: clinical testing. Allele origin: unknown.
Comment: NM_000372.4(TYR):c.880G>T(E294*) is expected to be pathogenic in the context of oculocutaneous albinism, TYR-related. This variant is predicted to lead to an abnormal or absent protein product due to the creation of a premature termination codon in TYR, a gene where loss-of-function variants are known to be pathogenic. Please note: this variant was assessed in the context of healthy population screening.

NM_000372.5(TYR):c.880G>T (p.Glu294Ter)

Gene: TYR (tyrosinase; plus strand). Cytogenetic location: 11q14.3.
Variant type: single nucleotide variant.
Coding change: c.880G>T on transcript NM_000372.5 (MANE Select); coding-DNA position 880, G replaced by T.
Protein change: p.Glu294Ter; replaces glutamic acid 294 with a stop codon.
Molecular consequence: nonsense.
Genome position (GRCh38, 1-based): chr11:89,191,262, G>T. VCF-style: chr11-89191262-G-T. GRCh37 (hg19) VCF-style: chr11-88924430-G-T.
Other names: short protein forms E294*.
Identifiers: ClinVar variation 5013164 (VCV005013164.1).